The following is an entry in ClinVar:

NM_000020.3(ACVRL1):c.818T>C (p.Leu273Pro)

Gene: ACVRL1 (activin A receptor like type 1; plus strand). Cytogenetic location: 12q13.13.
Variant type: single nucleotide variant.
Coding change: c.818T>C on transcript NM_000020.3 (MANE Select); coding-DNA position 818, T replaced by C.
Protein change: p.Leu273Pro; replaces leucine 273 with proline.
Molecular consequence: missense variant.
Genome position (GRCh38, 1-based): chr12:51,915,270, T>C. VCF-style: chr12-51915270-T-C. GRCh37 (hg19) VCF-style: chr12-52309054-T-C.
Other names: c.818T>C, p.Leu273Pro (NM_001077401.2); short protein forms L273P.
Identifiers: ClinVar variation 426017 (VCV000426017.8), dbSNP rs1085307409, ClinGen allele CA384900434.

ClinVar aggregate classification (germline): Pathogenic/Likely pathogenic. Review status: criteria provided, multiple submitters, no conflicts (2 of 4 stars). 5 submissions from 5 submitters: Pathogenic (3); Likely pathogenic (1). 1 of the submissions does not count toward it. Last evaluated 2024-05-09.

Conditions:
Hereditary hemorrhagic telangiectasia (HHT). Also called: ORW DISEASE; Osler Weber Rendu syndrome; OSLER-RENDU-WEBER DISEASE; Osler hemorrhagic telangiectasia syndrome. Identifiers: Orphanet 774, MedGen C0039445, MONDO:0019180. Disease mechanism: loss of function.
Cardiovascular phenotype. Identifiers: MedGen CN230736.
Telangiectasia, hereditary hemorrhagic, type 2 (HHT2). Also called: ACVRL1-Related Hereditary Hemorrhagic Telangiectasia; Telangiectasia, hereditary hemorrhagic, type II. Identifiers: Orphanet 774, MedGen C1838163, MONDO:0010880, OMIM 600376. Disease mechanism: loss of function.
Pulmonary arterial hypertension related to hereditary hemorrhagic telangiectasia. Also called: PULMONARY ARTERIAL HYPERTENSION, HEREDITARY HEMORRHAGIC TELANGIECTASIA-RELATED. Identifiers: MedGen C1832529.

gnomAD v4.1: 1 of 1,614,196 alleles (0.000062%); no homozygotes.

Submissions (5):

Labcorp Genetics (formerly Invitae), Labcorp
Classification: Likely pathogenic for Telangiectasia, hereditary hemorrhagic, type 2. Last evaluated: 2024-05-09. Review status: criteria provided, single submitter. Criteria: Invitae Variant Classification Sherloc (09022015). Collection method: clinical testing. Allele origin: germline.
Comment: This sequence change replaces leucine, which is neutral and non-polar, with proline, which is neutral and non-polar, at codon 273 of the ACVRL1 protein (p.Leu273Pro). This variant is not present in population databases (gnomAD no frequency). This missense change has been observed in individual(s) with clinical features of hereditary hemorrhagic telangiectasia (PMID: 15712271). It has also been observed to segregate with disease in related individuals. ClinVar contains an entry for this variant (Variation ID: 426017). Advanced modeling of protein sequence and biophysical properties (such as structural, functional, and spatial information, amino acid conservation, physicochemical variation, residue mobility, and thermodynamic stability) performed at Invitae indicates that this missense variant is expected to disrupt ACVRL1 protein function with a positive predictive value of 95%. In summary, the currently available evidence indicates that the variant is pathogenic, but additional data are needed to prove that conclusively. Therefore, this variant has been classified as Likely Pathogenic.

ARUP Laboratories, Molecular Genetics and Genomics, ARUP Laboratories
Classification: Pathogenic for Telangiectasia, hereditary hemorrhagic, type 2. Last evaluated: 2024-01-30. Review status: criteria provided, single submitter. Criteria: ARUP Molecular Germline Variant Investigation Process 2024. Collection method: clinical testing. Allele origin: germline.
Comment: The ACVRL1 c.818T>C; p.Leu273Pro variant (rs1085307409) is reported in the literature in individuals with suspected HHT and shown to segregate with disease in affected family members (Abdalla 2005, Kitonyi 2008, Machado 2015, Smoot 2009, Westermann 2011). This variant is also reported in ClinVar (Variation ID: 426017). This variant is absent from the Genome Aggregation Database (v2.1.1), indicating it is not a common polymorphism. Computational analyses predict that this variant is deleterious (REVEL: 0.776). Based on available information, this variant is considered to be pathogenic. References: Abdalla SA et al. Novel mutations and polymorphisms in genes causing hereditary hemorrhagic telangiectasia. Hum Mutat. 2005 Mar;25(3):320-1. PMID: 15712271. Kitonyi GW et al. Hereditary haemorrhagic telangiectasia in a black adult male: case report. East Afr Med J. 2008 Aug;85(8):412-6. PMID: 19115559. Machado RD et al. Pulmonary Arterial Hypertension: A Current Perspective on Established and Emerging Molecular Genetic Defects. Hum Mutat. 2015 Dec;36(12):1113-27. PMID: 26387786. Smoot LB et al. Clinical features of pulmonary arterial hypertension in young people with an ALK1 mutation and hereditary haemorrhagic telangiectasia. Arch Dis Child. 2009 Jul;94(7):506-11. PMID: 19357124. Westermann CJ et al. Is hereditary haemorrhagic telangiectasia rare in the black race? The first sub-Saharan mutation. Haemophilia. 2011 Jan;17(1):e244. PMID: 20609011.

Ambry Genetics
Classification: Pathogenic for Cardiovascular phenotype. Last evaluated: 2021-07-15. Review status: criteria provided, single submitter. Criteria: Ambry Variant Classification Scheme 2023. Collection method: clinical testing. Allele origin: germline.
Comment: The p.L273P pathogenic mutation (also known as c.818T>C), located in coding exon 6 of the ACVRL1 gene, results from a T to C substitution at nucleotide position 818. The leucine at codon 273 is replaced by proline, an amino acid with similar properties. This mutation was described in a child with pulmonary arteriovenous malformation (PAVM) and was found to track with disease in the affected mother, grandmother, and maternal aunt (Abdalla SA et al. Hum. Mutat., 2005 Mar;25:320-1). In another study, this mutation was also described in a child presenting with pulmonary arterial hypertension and a PAVM; the mutation also tracked in clinically affected family members (Smoot LB et al. Arch. Dis. Child., 2009 Jul;94:506-11). Based on the supporting evidence, this alteration is interpreted as a disease-causing mutation.

Laboratory for Molecular Medicine, Mass General Brigham Personalized Medicine
Classification: Pathogenic for Hereditary hemorrhagic telangiectasia. Last evaluated: 2014-12-09. Review status: criteria provided, single submitter. Criteria: ACMG Guidelines, 2015. Collection method: clinical testing. Allele origin: germline. Inheritance: Autosomal dominant inheritance.
Comment: The p.Leu273Pro variant in ACVRL1 has been reported in 3 individuals with Hereditary Hemorrhagic Telangiectasia (HHT) and segregated with disease in 7 affected relatives from 2 families (Abdalla 2005, Smoot 2009, Westerman 2011). It was absent from large population studies. Computational prediction tools and conservation analysis suggest that the p.Leu273Pro variant may impact the protein, though this information is not predictive enough to determine pathogenicity. In summary, this variant meets our criteria to be classified as pathogenic for hereditary hemorrhagic telangiectasia in an autosomal dominant manner based upon segregation studies.

Rare Disease Genomics Group, St George's University of London
Classification: Pathogenic for Pulmonary arterial hypertension related to hereditary hemorrhagic telangiectasia. Review status: no assertion criteria provided. Collection method: literature only. Allele origin: germline. Affected: yes. Not counted in ClinVar's aggregate classification.

Literature cited by the submitters: PubMed 15712271 (cited by 3 submitters); PubMed 19115559 (cited by Ambry Genetics); PubMed 19357124 (cited by 3 submitters); PubMed 20609011 (cited by Ambry Genetics and Laboratory for Molecular Medicine, Mass General Brigham Personalized Medicine); PubMed 26387786 (cited by Ambry Genetics).